The following is an entry in ClinVar:

NM_152383.5(DIS3L2):c.1021G>A (p.Gly341Ser)

Gene: DIS3L2 (DIS3 like 3'-5' exoribonuclease 2; plus strand). Cytogenetic location: 2q37.1.
Variant type: single nucleotide variant.
Coding change: c.1021G>A on transcript NM_152383.5 (MANE Select); coding-DNA position 1021, G replaced by A.
Protein change: p.Gly341Ser; replaces glycine 341 with serine.
Molecular consequence: missense variant. On other transcripts: non-coding transcript variant (2).
Genome position (GRCh38, 1-based): chr2:232,163,529, G>A. VCF-style: chr2-232163529-G-A. GRCh37 (hg19) VCF-style: chr2-233028239-G-A.
Other names: c.1021G>A, p.Gly341Ser (NM_001257281.2); short protein forms G341S.
Identifiers: ClinVar variation 1470925 (VCV001470925.6), dbSNP rs2106377174, ClinGen allele CA351154307.

ClinVar aggregate classification (germline): Uncertain significance (1 of 4 stars; one submission).

Conditions:
Perlman syndrome (PRLMNS). Identifiers: Orphanet 2849, MedGen C0796113, MONDO:0009965, OMIM 267000.

Allele frequency attached by ClinVar (database versions not stated): gnomAD exomes below 0.00001.
gnomAD v4.1: 2 of 1,614,144 alleles (0.00012%); highest among the groups gnomAD compares: Admixed American, 0.0017%; no homozygotes.

Submission:

Labcorp Genetics (formerly Invitae), Labcorp
Classification: Uncertain significance for Perlman syndrome. Last evaluated: 2023-11-14. Review status: criteria provided, single submitter. Criteria: Invitae Variant Classification Sherloc (09022015). Collection method: clinical testing. Allele origin: germline.
Comment: This sequence change replaces glycine, which is neutral and non-polar, with serine, which is neutral and polar, at codon 341 of the DIS3L2 protein (p.Gly341Ser). This variant is not present in population databases (gnomAD no frequency). This variant has not been reported in the literature in individuals affected with DIS3L2-related conditions. ClinVar contains an entry for this variant (Variation ID: 1470925). Advanced modeling of protein sequence and biophysical properties (such as structural, functional, and spatial information, amino acid conservation, physicochemical variation, residue mobility, and thermodynamic stability) performed at Invitae indicates that this missense variant is not expected to disrupt DIS3L2 protein function with a negative predictive value of 80%. In summary, the available evidence is currently insufficient to determine the role of this variant in disease. Therefore, it has been classified as a Variant of Uncertain Significance.